The following is an entry in ClinVar:

ClinVar aggregate classification (germline): Uncertain significance. Review status: criteria provided, multiple submitters, no conflicts (2 of 4 stars). 3 submissions from 3 submitters: Uncertain significance (3). Last evaluated 2020-09-08.

Conditions:
Autosomal dominant nonsyndromic hearing loss 2A. Also called: Autosomal dominant nonsyndromic deafness 2A; DFNA2 Nonsyndromic Hearing Loss; Deafness, autosomal dominant 2A. Identifiers: Orphanet 90635, MedGen C2677637, MONDO:0010817, OMIM 600101.
Hearing impairment. Also called: Impaired Hearing. Identifiers: MedGen C1384666, MONDO:0005365, HP:0000365.

Submissions (3):

Blueprint Genetics
Classification: Uncertain significance. Last evaluated: 2020-09-08. Review status: criteria provided, single submitter. Criteria: ACMG Guidelines, 2015. Collection method: clinical testing. Allele origin: germline.

Cambridge Genomics Laboratory, East Genomic Laboratory Hub, NHS Genomic Medicine Service
Classification: Uncertain significance for Hearing impairment. Last evaluated: 2020-02-26. Review status: criteria provided, single submitter. Criteria: ACGS Best Practice Guidelines for Variant Classification in Rare Disease 2020. Collection method: clinical testing. Allele origin: germline. Affected: yes. Observed: 1 variant allele.

Precision Medicine Center, Zhengzhou University
Classification: Uncertain significance for Autosomal dominant nonsyndromic hearing loss 2A. Last evaluated: 2006-06-30. Review status: criteria provided, single submitter. Criteria: ClinGen HL ACMG Specifications v1. Collection method: clinical testing. Allele origin: paternal. Affected: yes.
Comment: PM1+PM2+PP3:The KCNQ4 c.1049G>C variant is a rare missense variant that is absent or extremely rare in population databases (PM2). It is located within a critical functional domain of the KCNQ4 protein where pathogenic missense variants are enriched (PM1), and multiple computational prediction tools predict a deleterious effect on protein function (PP3). According to the ACMG/AMP guidelines, this variant is classified as a Variant of Uncertain Significance (VUS).

NM_004700.4(KCNQ4):c.1049G>C (p.Trp350Ser)

Gene: KCNQ4 (potassium voltage-gated channel subfamily Q member 4; plus strand). Cytogenetic location: 1p34.2.
Variant type: single nucleotide variant.
Coding change: c.1049G>C on transcript NM_004700.4 (MANE Select); coding-DNA position 1049, G replaced by C.
Protein change: p.Trp350Ser; replaces tryptophan 350 with serine.
Molecular consequence: missense variant.
Genome position (GRCh38, 1-based): chr1:40,822,321, G>C. VCF-style: chr1-40822321-G-C. GRCh37 (hg19) VCF-style: chr1-41287993-G-C.
Other names: c.1049G>C, p.Trp350Ser (NM_172163.3); short protein forms W350S.
Identifiers: ClinVar variation 4074806 (VCV004074806.3).